The following is an entry in ClinVar:

NM_020533.3(MCOLN1):c.980A>G (p.Gln327Arg)

Gene: MCOLN1 (mucolipin TRP cation channel 1; plus strand). Cytogenetic location: 19p13.2.
Variant type: single nucleotide variant.
Coding change: c.980A>G on transcript NM_020533.3 (MANE Select); coding-DNA position 980, A replaced by G.
Protein change: p.Gln327Arg; replaces glutamine 327 with arginine.
Molecular consequence: missense variant.
Genome position (GRCh38, 1-based): chr19:7,528,699, A>G. VCF-style: chr19-7528699-A-G. GRCh37 (hg19) VCF-style: chr19-7593585-A-G.
Other names: short protein forms Q327R.
Identifiers: ClinVar variation 2085393 (VCV002085393.1), dbSNP rs751832883, ClinGen allele CA9138970.

ClinVar aggregate classification (germline): Uncertain significance (1 of 4 stars; one submission).

Conditions:
Mucolipidosis type IV (ML4). Also called: ML IV. Identifiers: Orphanet 578, MedGen C0238286, MONDO:0009653, OMIM 252650.

Allele frequency attached by ClinVar (database versions not stated): ExAC 0.00001; gnomAD exomes 0.00001.
gnomAD v4.1: 6 of 1,614,158 alleles (0.00037%); highest among the groups gnomAD compares: South Asian, 0.0066%; no homozygotes.

Submission:

Labcorp Genetics (formerly Invitae), Labcorp
Classification: Uncertain significance for Mucolipidosis type IV. Last evaluated: 2021-08-27. Review status: criteria provided, single submitter. Criteria: Invitae Variant Classification Sherloc (09022015). Collection method: clinical testing. Allele origin: germline.
Comment: This sequence change replaces glutamine with arginine at codon 327 of the MCOLN1 protein (p.Gln327Arg). The glutamine residue is highly conserved and there is a small physicochemical difference between glutamine and arginine. This variant is present in population databases (rs751832883, ExAC 0.006%). This variant has not been reported in the literature in individuals affected with MCOLN1-related conditions. Algorithms developed to predict the effect of missense changes on protein structure and function are either unavailable or do not agree on the potential impact of this missense change (SIFT: "Tolerated"; PolyPhen-2: "Probably Damaging"; Align-GVGD: "Class C0"). In summary, the available evidence is currently insufficient to determine the role of this variant in disease. Therefore, it has been classified as a Variant of Uncertain Significance.